The following is an entry in ClinVar:

ClinVar aggregate classification (germline): Uncertain significance (1 of 4 stars; one submission).

Submission:

GeneDx
Classification: Uncertain significance. Last evaluated: 2024-02-08. Review status: criteria provided, single submitter. Criteria: GeneDx Variant Classification Process June 2021. Collection method: clinical testing. Allele origin: germline. Affected: yes.
Comment: Not observed at significant frequency in large population cohorts (gnomAD); In silico analysis supports that this missense variant has a deleterious effect on protein structure/function; Has not been previously published as pathogenic or benign to our knowledge

NM_001382347.1(MYO5A):c.1094G>T (p.Gly365Val)

Gene: MYO5A (myosin VA; minus strand). Cytogenetic location: 15q21.2.
Variant type: single nucleotide variant.
Coding change: c.1094G>T on transcript NM_001382347.1 (MANE Select); coding-DNA position 1094, G replaced by T.
Protein change: p.Gly365Val; replaces glycine 365 with valine.
Molecular consequence: missense variant.
Genome position (GRCh38, 1-based): chr15:52,397,426, C>A on the plus strand (G>T on the coding strand, the complement: MYO5A is on the minus strand). VCF-style: chr15-52397426-C-A. GRCh37 (hg19) VCF-style: chr15-52689623-C-A.
Other names: c.1094G>T, p.Gly365Val (NM_000259.3, NM_001142495.2, NM_001411135.1); c.1166G>T, p.Gly389Val (NM_001382348.1, NM_001382349.1); short protein forms G365V, G389V.
Identifiers: ClinVar variation 3368909 (VCV003368909.1).
Genomic context (GRCh38, chr15:52,397,426, plus strand): 5'-TCTGTGGCAGTAGCCAGTTTCCGATGGCAGAGCCAGTGACACATCTCCTCATAGTCCACA[C>A]CCATGAGTTCACAGAAGATGCAGAGAGGTTCATGCTTGGGCTGCCAAAAGATAATGAGTT-3'
Protein context (NP_001369276.1, residues 355-375): EPLCIFCELM[Gly365Val]VDYEEMCHWL